The following is an entry in ClinVar:

ClinVar aggregate classification (germline): Uncertain significance (1 of 4 stars; one submission).

Submission:

GeneDx
Classification: Uncertain significance. Last evaluated: 2026-03-20. Review status: criteria provided, single submitter. Criteria: GeneDx Variant Classification Process June 2021. Collection method: clinical testing. Allele origin: germline.
Comment: Not observed at significant frequency in large population cohorts (gnomAD); In-frame insertion of 27 amino acids in a non-repeat region; In silico analysis supports a deleterious effect on splicing; Has not been previously published as pathogenic or benign to our knowledge

NM_001142966.3(GREB1L):c.2037_2117dup (p.Asp705_Phe706insLeuLysLeuLeuSerGlnValCysAlaIleAlaAspSerGlySerGlnSerLeuAspLeuGlyHisPheSerLysValAsp)

Gene: GREB1L (GREB1 like retinoic acid receptor coactivator; plus strand). Cytogenetic location: 18q11.1.
Variant type: Duplication.
Coding change: c.2037_2117dup on transcript NM_001142966.3 (MANE Select); coding-DNA positions 2037 to 2117, 81 bases duplicated.
Protein change: p.Asp705_Phe706insLeuLysLeuLeuSerGlnValCysAlaIleAlaAspSerGlySerGlnSerLeuAspLeuGlyHisPheSerLysValAsp.
Genome position (GRCh38, 1-based): chr18:21,454,418-21,454,498, 81 bases duplicated. GRCh37 (hg19): chr18:19,034,379-19,034,459.
Other names: c.2166_2246dup, p.Asp748_Phe749insLeuLysLeuLeuSerGlnValCysAlaIleAlaAspSerGlySerGlnSerLeuAspLeuGlyHisPheSerLysValAsp (NM_001410867.1); c.1710_1790dup, p.Asp596_Phe597insLeuLysLeuLeuSerGlnValCysAlaIleAlaAspSerGlySerGlnSerLeuAspLeuGlyHisPheSerLysValAsp (NM_001410868.1).
Identifiers: ClinVar variation 3572723 (VCV003572723.2).